The following is an entry in ClinVar:

NM_001377334.1(PIK3C2B):c.3897G>A (p.Val1299=)

Gene: PIK3C2B (phosphatidylinositol-4-phosphate 3-kinase catalytic subunit type 2 beta; minus strand). Cytogenetic location: 1q32.1.
Variant type: single nucleotide variant.
Coding change: c.3897G>A on transcript NM_001377334.1 (MANE Select); coding-DNA position 3897, G replaced by A.
Protein change: p.Val1299=; no amino-acid change (valine 1299 retained).
Molecular consequence: synonymous variant.
Genome position (GRCh38, 1-based): chr1:204,433,372, C>T on the plus strand (G>A on the coding strand, the complement: PIK3C2B is on the minus strand). VCF-style: chr1-204433372-C-T. GRCh37 (hg19) VCF-style: chr1-204402500-C-T.
Other names: c.3813G>A, p.Val1271= (NM_001377335.1); c.3897G>A, p.Val1299= (NM_002646.4).
Identifiers: ClinVar variation 3060848 (VCV003060848.2), dbSNP rs2271422, ClinGen allele CA1347305.

ClinVar aggregate classification (germline): Benign (0 of 4 stars; one submission).

Conditions:
PIK3C2B-related disorder. Also called: PIK3C2B-related condition.

Allele frequency attached by ClinVar (database versions not stated): gnomAD exomes 0.00859; ESP Exome Variant Server 0.02376; ExAC 0.02516; gnomAD 0.02845; TOPMed 0.03392; 1000 Genomes Project 0.04473; 1000 Genomes Project 30x 0.04685.

Submission:

PreventionGenetics, part of Exact Sciences
Classification: Benign for PIK3C2B-related condition. Last evaluated: 2024-04-16. Review status: no assertion criteria provided. Collection method: clinical testing. Allele origin: germline.
Comment: This variant is classified as benign based on ACMG/AMP sequence variant interpretation guidelines (Richards et al. 2015 PMID: 25741868, with internal and published modifications).